The following is an entry in ClinVar:

NM_004132.5(HABP2):c.830C>T (p.Ser277Leu)

Gene: HABP2 (hyaluronan binding protein 2; plus strand). Cytogenetic location: 10q25.3.
Variant type: single nucleotide variant.
Coding change: c.830C>T on transcript NM_004132.5 (MANE Select); coding-DNA position 830, C replaced by T.
Protein change: p.Ser277Leu; replaces serine 277 with leucine.
Molecular consequence: missense variant.
Genome position (GRCh38, 1-based): chr10:113,580,684, C>T. VCF-style: chr10-113580684-C-T. GRCh37 (hg19) VCF-style: chr10-115340443-C-T.
Other names: c.752C>T, p.Ser251Leu (NM_001177660.3); short protein forms S277L, S251L.
Identifiers: ClinVar variation 298908 (VCV000298908.10), dbSNP rs140350069, ClinGen allele CA5693779.

ClinVar aggregate classification (germline): Benign/Likely benign. Review status: criteria provided, multiple submitters, no conflicts (2 of 4 stars). 4 submissions from 4 submitters: Benign (1); Likely benign (3). Last evaluated 2021-05-06.

Conditions:
Factor VII-activating protease marburg I. Identifiers: MedGen CN068943.

Allele frequency attached by ClinVar (database versions not stated): gnomAD exomes 0.00052 and 0.00131; ExAC 0.00158; 1000 Genomes Project 0.00419; 1000 Genomes Project 30x 0.00422; gnomAD 0.00521 and 0.00573; TOPMed 0.00605; ESP Exome Variant Server 0.00677.
gnomAD v4.1: 1,560 of 1,555,370 alleles (0.1%); highest among the groups gnomAD compares: African/African-American, 1.8%; 15 homozygotes.

Submissions (4):

GeneDx
Classification: Likely benign. Last evaluated: 2021-05-06. Review status: criteria provided, single submitter. Criteria: GeneDx Variant Classification Process June 2021. Collection method: clinical testing. Allele origin: germline. Affected: yes.
Comment: See Variant Classification Assertion Criteria.

Labcorp Genetics (formerly Invitae), Labcorp
Classification: Benign. Last evaluated: 2018-06-25. Review status: criteria provided, single submitter. Criteria: Invitae Variant Classification Sherloc (09022015). Collection method: clinical testing. Allele origin: germline.

Illumina Laboratory Services, Illumina
Classification: Likely benign for Factor VII Marburg I Variant Thrombophilia. Last evaluated: 2018-01-12. Review status: criteria provided, single submitter. Criteria: ICSL Variant Classification Criteria 13 December 2019. Collection method: clinical testing. Allele origin: germline.
Comment: This variant was observed in the ICSL laboratory as part of a predisposition screen in an ostensibly healthy population. It had not been previously curated by ICSL or reported in the Human Gene Mutation Database (HGMD: prior to June 1st, 2018), and was therefore a candidate for classification through an automated scoring system. Utilizing variant allele frequency, disease prevalence and penetrance estimates, and inheritance mode, an automated score was calculated to assess if this variant is too frequent to cause the disease. Based on the score and internal cut-off values, a variant classified as likely benign is not then subjected to further curation. The score for this variant resulted in a classification of likely benign for this disease.

Breakthrough Genomics
Classification: Likely benign. Review status: criteria provided, single submitter. Criteria: ACMG Guidelines, 2015. Collection method: not provided. Allele origin: germline. Inheritance: Autosomal dominant inheritance. Affected: yes.